The following is an entry in ClinVar:

NM_001292063.2(OTOG):c.1468A>C (p.Lys490Gln)

Gene: OTOG (otogelin; plus strand). Cytogenetic location: 11p15.1.
Variant type: single nucleotide variant.
Coding change: c.1468A>C on transcript NM_001292063.2 (MANE Select); coding-DNA position 1468, A replaced by C.
Protein change: p.Lys490Gln; replaces lysine 490 with glutamine.
Molecular consequence: missense variant.
Genome position (GRCh38, 1-based): chr11:17,561,107, A>C. VCF-style: chr11-17561107-A-C. GRCh37 (hg19) VCF-style: chr11-17582654-A-C.
Other names: c.1504A>C, p.Lys502Gln (NM_001277269.2); short protein forms K490Q, K502Q.
Identifiers: ClinVar variation 1912676 (VCV001912676.5), dbSNP rs777161861, ClinGen allele CA5905494.

ClinVar aggregate classification (germline): Uncertain significance (1 of 4 stars; one submission).

Allele frequency attached by ClinVar (database versions not stated): gnomAD exomes 0.00001; ExAC 0.00014.
gnomAD v4.1: 13 of 1,550,602 alleles (0.00084%); highest among the groups gnomAD compares: South Asian, 0.015%; no homozygotes.

Submission:

Labcorp Genetics (formerly Invitae), Labcorp
Classification: Uncertain significance. Last evaluated: 2022-03-20. Review status: criteria provided, single submitter. Criteria: Invitae Variant Classification Sherloc (09022015). Collection method: clinical testing. Allele origin: germline.
Comment: Algorithms developed to predict the effect of missense changes on protein structure and function (SIFT, PolyPhen-2, Align-GVGD) all suggest that this variant is likely to be tolerated. In summary, the available evidence is currently insufficient to determine the role of this variant in disease. Therefore, it has been classified as a Variant of Uncertain Significance. This sequence change replaces lysine, which is basic and polar, with glutamine, which is neutral and polar, at codon 502 of the OTOG protein (p.Lys502Gln). This variant is present in population databases (rs777161861, gnomAD 0.009%). This variant has not been reported in the literature in individuals affected with OTOG-related conditions.